The following is an entry in ClinVar:

ClinVar aggregate classification (germline): Conflicting classifications of pathogenicity. Review status: criteria provided, conflicting classifications (1 of 4 stars). 3 submissions from 3 submitters: Uncertain significance (2); Likely benign (1). Last evaluated 2025-02-19.

Conditions:
Benign neonatal seizures. Also called: Convulsions benign familial neonatal dominant form; Autosomal dominant form of benign neonatal seizures; Benign familial neonatal seizures; Benign familial neonatal epilepsy; Benign neonatal familial convulsions. Identifiers: Orphanet 1949, MedGen C0220669, MONDO:0016027.

Submissions (3):

Labcorp Genetics (formerly Invitae), Labcorp
Classification: Uncertain significance for Benign neonatal seizures. Last evaluated: 2025-02-19. Review status: criteria provided, single submitter. Criteria: Invitae Variant Classification Sherloc (09022015). Collection method: clinical testing. Allele origin: germline.
Comment: This variant, c.2014_2016del, results in the deletion of 1 amino acid(s) of the KCNQ3 protein (p.Lys672del), but otherwise preserves the integrity of the reading frame. This variant is present in population databases (rs777822578, gnomAD 0.009%). This variant has not been reported in the literature in individuals affected with KCNQ3-related conditions. ClinVar contains an entry for this variant (Variation ID: 1328639). Experimental studies and prediction algorithms are not available or were not evaluated, and the functional significance of this variant is currently unknown. In summary, the available evidence is currently insufficient to determine the role of this variant in disease. Therefore, it has been classified as a Variant of Uncertain Significance.

GeneDx
Classification: Uncertain significance. Last evaluated: 2021-06-18. Review status: criteria provided, single submitter. Criteria: GeneDx Variant Classification Process June 2021. Collection method: clinical testing. Allele origin: germline. Affected: yes.
Comment: Has not been previously published as pathogenic or benign to our knowledge; Not observed at significant frequency in large population cohorts (Lek et al., 2016); In-frame deletion of one amino acid in a non-repeat region

Blueprint Genetics
Classification: Likely benign. Last evaluated: 2019-12-19. Review status: criteria provided, single submitter. Criteria: ACMG Guidelines, 2015. Collection method: clinical testing. Allele origin: germline.

NM_004519.4(KCNQ3):c.2011AAG[1] (p.Lys672del)

Gene: KCNQ3 (potassium voltage-gated channel subfamily Q member 3; minus strand). Cytogenetic location: 8q24.22.
Variant type: Microsatellite.
Coding change: c.2011AAG[1] on transcript NM_004519.4 (MANE Select); one copy of the 3-base unit AAG starting at c.2011; the reference has two copies in a row; one copy, 3 bases deleted.
Protein change: p.Lys672del; deletes lysine 672.
Molecular consequence: inframe deletion.
Genome position (GRCh38, 1-based): chr8:132,129,865-132,129,867, CTT deleted on the plus strand (AAG on the coding strand, the reverse complement: KCNQ3 is on the minus strand); deleting any 3 consecutive bases within chr8:132,129,865-132,129,872 gives the same sequence; the position shown is the placement nearest the transcript's 3' end. VCF-style (leftmost placement, unchanged base first): chr8-132129864-CCTT-C. GRCh37 (hg19) VCF-style: chr8-133142111-CCTT-C.
Other names: c.1651AAG[1], p.Lys552del (NM_001204824.2); short protein forms K552del, K672del.
Identifiers: ClinVar variation 1328639 (VCV001328639.10), dbSNP rs777822578, ClinGen allele CA4880522.
Genomic context (GRCh38, chr8:132,129,864, plus strand): 5'-GGGGGCCTGTCTCAGAATAGTTGCAGATGATGGTTTTCAAATCGGAATACCTGTTGTCCT[CCTT>C]CTTCTCTGCTTCAGCTGGCGAGGAGGTGCCCTTGGTTGGGTAATACTCCGTGACCTGCAC-3'